The following is an entry in ClinVar:

NM_000138.5(FBN1):c.1562G>A (p.Ser521Asn)

Gene: FBN1 (fibrillin 1; minus strand). Cytogenetic location: 15q21.1.
Variant type: single nucleotide variant.
Coding change: c.1562G>A on transcript NM_000138.5 (MANE Select); coding-DNA position 1562, G replaced by A.
Protein change: p.Ser521Asn; replaces serine 521 with asparagine.
Molecular consequence: missense variant.
Genome position (GRCh38, 1-based): chr15:48,513,575, C>T on the plus strand (G>A on the coding strand, the complement: FBN1 is on the minus strand). VCF-style: chr15-48513575-C-T. GRCh37 (hg19) VCF-style: chr15-48805772-C-T.
Other names: short protein forms S521N.
Identifiers: ClinVar variation 926701 (VCV000926701.10), dbSNP rs749253325, ClinGen allele CA044982.

ClinVar aggregate classification (germline): Conflicting classifications of pathogenicity. Review status: criteria provided, conflicting classifications (1 of 4 stars). 4 submissions from 4 submitters: Uncertain significance (3); Likely benign (1). Last evaluated 2025-10-26.

Conditions:
Weill-Marchesani syndrome 2, dominant. Also called: FBN1-Related Weill-Marchesani Syndrome; Weill-Marchesani Syndrome, Autosomal Dominant. Identifiers: Orphanet 2084, MedGen C1869115, MONDO:0012013, OMIM 608328.
Progeroid and marfanoid aspect-lipodystrophy syndrome. Also called: MARFANOID-PROGEROID SYNDROME; MARFAN-PROGEROID-LIPODYSTROPHY SYNDROME; Marfan lipodystrophy syndrome; MARFANOID-PROGEROID-LIPODYSTROPHY SYNDROME. Identifiers: Orphanet 300382, MedGen C4310796, MONDO:0014831, OMIM 616914.
Acromicric dysplasia (ACMICD). Also called: Acromicric skeletal dysplasia. Identifiers: Orphanet 969, MedGen C0265287, MONDO:0007055, OMIM 102370.
Ectopia lentis 1, isolated, autosomal dominant (ECTOL1). Identifiers: Orphanet 1885, MedGen C3541518, MONDO:0007514, OMIM 129600.
Geleophysic dysplasia 2 (GPHYSD2). Identifiers: Orphanet 2623, MedGen C3280054, MONDO:0013612, OMIM 614185.
Marfan syndrome (MFS). Also called: Marfan syndrome, classic; Marfan syndrome type 1; Marfan's syndrome; FBN1-Related Marfan Syndrome; MARFAN SYNDROME, TYPE I. Identifiers: Orphanet 284963, Orphanet 558, MedGen C0024796, MONDO:0007947, OMIM 154700.
MASS syndrome (OCTD). Also called: OVERLAP CONNECTIVE TISSUE DISEASE; MASS PHENOTYPE. Identifiers: MedGen C1858556, MONDO:0011431, OMIM 604308.
Stiff skin syndrome (SSKS). Identifiers: Orphanet 2833, MedGen C1861456, MONDO:0008492, OMIM 184900.
Familial thoracic aortic aneurysm and aortic dissection (TAAD). Also called: Thoracic aortic aneurysms and dissections. Identifiers: Orphanet 91387, MedGen C4707243, MONDO:0019625.

Allele frequency attached by ClinVar (database versions not stated): gnomAD exomes 0.00002 and 0.00001; ExAC 0.00002.
gnomAD v4.1: 14 of 1,614,004 alleles (0.00087%); highest among the groups gnomAD compares: African/African-American, 0.0013%; no homozygotes.

Submissions (4):

Labcorp Genetics (formerly Invitae), Labcorp
Classification: Likely benign for Marfan syndrome; Familial thoracic aortic aneurysm and aortic dissection. Last evaluated: 2025-10-26. Review status: criteria provided, single submitter. Criteria: Invitae Variant Classification Sherloc (09022015). Collection method: clinical testing. Allele origin: germline.

Color Diagnostics, LLC DBA Color Health
Classification: Uncertain significance for Familial thoracic aortic aneurysm and aortic dissection. Last evaluated: 2023-11-03. Review status: criteria provided, single submitter. Criteria: ACMG Guidelines, 2015. Collection method: clinical testing. Allele origin: germline.
Comment: This missense variant replaces serine with asparagine at codon 521 of the FBN1 protein. Computational prediction suggests that this variant may not impact protein structure and function (internally defined REVEL score threshold <= 0.5, PMID: 27666373). To our knowledge, functional studies have not been reported for this variant. This variant has not been reported in individuals affected with FBN1-related disorders in the literature. This variant has been identified in 4/251338 chromosomes in the general population by the Genome Aggregation Database (gnomAD). The available evidence is insufficient to determine the role of this variant in disease conclusively. Therefore, this variant is classified as a Variant of Uncertain Significance.

Fulgent Genetics
Classification: Uncertain significance for Acromicric dysplasia; Ectopia lentis 1, isolated, autosomal dominant; Marfan syndrome; Stiff skin syndrome; MASS syndrome; Weill-Marchesani syndrome 2, dominant; Geleophysic dysplasia 2; Progeroid and marfanoid aspect-lipodystrophy syndrome. Last evaluated: 2021-09-16. Review status: criteria provided, single submitter. Criteria: ACMG Guidelines, 2015. Collection method: clinical testing. Allele origin: unknown.

Ambry Genetics
Classification: Uncertain significance for Familial thoracic aortic aneurysm and aortic dissection. Last evaluated: 2020-02-25. Review status: criteria provided, single submitter. Criteria: Ambry Variant Classification Scheme 2023. Collection method: clinical testing. Allele origin: germline.
Comment: The p.S521N variant (also known as c.1562G>A), located in coding exon 12 of the FBN1 gene, results from a G to A substitution at nucleotide position 1562. The serine at codon 521 is replaced by asparagine, an amino acid with highly similar properties, and is located in the cb EGF-like #03 domain. This amino acid position is well conserved in available vertebrate species. In addition, this alteration is predicted to be tolerated by in silico analysis. Since supporting evidence is limited at this time, the clinical significance of this alteration remains unclear.